The following is an entry in ClinVar:

ClinVar aggregate classification (germline): Likely benign. Review status: criteria provided, multiple submitters, no conflicts (2 of 4 stars). 2 submissions from 2 submitters: Likely benign (2). Last evaluated 2025-09-22.

Allele frequency attached by ClinVar (database versions not stated): gnomAD 0.00021 and 0.00023; ESP Exome Variant Server 0.00031; gnomAD exomes 0.00005 and 0.00007; ExAC 0.00009; TOPMed 0.00014.
gnomAD v4.1: 111 of 1,614,200 alleles (0.0069%); highest among the groups gnomAD compares: Middle Eastern, 0.049%; no homozygotes.

Submissions (2):

Ambry Genetics
Classification: Likely benign. Last evaluated: 2025-09-22. Review status: criteria provided, single submitter. Criteria: Ambry Variant Classification Scheme 2023. Collection method: clinical testing. Allele origin: germline.

CeGaT Center for Human Genetics Tuebingen
Classification: Likely benign. Last evaluated: 2022-06-01. Review status: criteria provided, single submitter. Criteria: CeGaT Center For Human Genetics Tuebingen Variant Classification Criteria Version 2. Collection method: clinical testing. Allele origin: germline. Affected: yes. Observed: 1 variant allele.
Comment: TNC: BP4, BP7

NM_002160.4(TNC):c.2511C>T (p.Tyr837=)

Gene: TNC (tenascin C; minus strand). Cytogenetic location: 9q33.1.
Variant type: single nucleotide variant.
Coding change: c.2511C>T on transcript NM_002160.4 (MANE Select); coding-DNA position 2511, C replaced by T.
Protein change: p.Tyr837=; no amino-acid change (tyrosine 837 retained).
Molecular consequence: synonymous variant.
Genome position (GRCh38, 1-based): chr9:115,078,106, G>A on the plus strand (C>T on the coding strand, the complement: TNC is on the minus strand). VCF-style: chr9-115078106-G-A. GRCh37 (hg19) VCF-style: chr9-117840385-G-A.
Other names: c.2511C>T (NM_002160.3); c.2511C>T, p.Tyr837= (NM_001410991.1).
Identifiers: ClinVar variation 1695260 (VCV001695260.31), dbSNP rs146641282, ClinGen allele CA5208508.